The following is an entry in ClinVar:

NM_001010909.5(MUC21):c.420C>T (p.Ser140=)

Gene: MUC21 (mucin 21, cell surface associated; plus strand). Cytogenetic location: 6p21.33.
Variant type: single nucleotide variant.
Coding change: c.420C>T on transcript NM_001010909.5 (MANE Select); coding-DNA position 420, C replaced by T.
Protein change: p.Ser140=; no amino-acid change (serine 140 retained).
Molecular consequence: synonymous variant. On other transcripts: no sequence alteration (2), non-coding transcript variant (1).
Genome position (GRCh38, 1-based): chr6:30,986,595, C>T. VCF-style: chr6-30986595-C-T. GRCh37 (hg19) VCF-style: chr6-30954372-C-T.
Other names: c.510=, p.Ser170= (NM_001322371.2, NM_001322370.2).
Identifiers: ClinVar variation 2656350 (VCV002656350.24), dbSNP rs1316606599, ClinGen allele CA449782469.

ClinVar aggregate classification (germline): Likely benign (1 of 4 stars; one submission).

Submission:

CeGaT Center for Human Genetics Tuebingen
Classification: Likely benign. Last evaluated: 2025-09-01. Review status: criteria provided, single submitter. Criteria: CeGaT Center For Human Genetics Tuebingen Variant Classification Criteria Version 2. Collection method: clinical testing. Allele origin: germline. Affected: yes. Observed: 3 variant alleles.
Comment: MUC21: BP4, BP7